The following is an entry in ClinVar:

ClinVar aggregate classification (germline): Uncertain significance. Review status: criteria provided, multiple submitters, no conflicts (2 of 4 stars). 2 submissions from 2 submitters: Uncertain significance (2). Last evaluated 2026-01-05.

Conditions:
Inborn genetic diseases. Identifiers: MedGen C0950123, MeSH D030342.
ADCY3-related disorder. Also called: ADCY3-related condition.

Allele frequency attached by ClinVar (database versions not stated): ExAC 0.00001; gnomAD 0.00001; gnomAD exomes 0.00001; TOPMed 0.00002.
gnomAD v4.1: 23 of 1,614,046 alleles (0.0014%); highest among the groups gnomAD compares: Non-Finnish European, 0.0015%; no homozygotes.

Submissions (2):

PreventionGenetics, part of Exact Sciences
Classification: Uncertain significance for ADCY3-related condition. Last evaluated: 2026-01-05. Review status: criteria provided, single submitter. Criteria: ACMG Guidelines, 2015. Collection method: clinical testing. Allele origin: germline.
Comment: The ADCY3 c.3055G>A variant is predicted to result in the amino acid substitution p.Asp1019Asn. To our knowledge, this variant has not been reported in the literature. This variant is reported in 0.0046% of alleles in individuals of European (Finnish) descent in gnomAD. At this time, the clinical significance of this variant is uncertain due to the absence of conclusive functional and genetic evidence.

Ambry Genetics
Classification: Uncertain significance for Inborn genetic diseases. Last evaluated: 2024-01-03. Review status: criteria provided, single submitter. Criteria: Ambry Variant Classification Scheme 2023. Collection method: clinical testing. Allele origin: germline.

NM_004036.5(ADCY3):c.3052G>A (p.Asp1018Asn)

Genes: ADCY3 (adenylate cyclase 3; minus strand), CENPO (centromere protein O; plus strand). Cytogenetic location: 2p23.3.
Variant type: single nucleotide variant.
Coding change: c.3052G>A on transcript NM_004036.5 (MANE Select); coding-DNA position 3052, G replaced by A.
Protein change: p.Asp1018Asn; replaces aspartic acid 1018 with asparagine.
Molecular consequence: missense variant. On other transcripts: 3 prime UTR variant (3), non-coding transcript variant (3).
Genome position (GRCh38, 1-based): chr2:24,821,592, C>T on the plus strand (G>A on the coding strand, the complement: ADCY3 is on the minus strand). VCF-style: chr2-24821592-C-T. GRCh37 (hg19) VCF-style: chr2-25044461-C-T.
Other names: c.3055G>A (NM_001320613.1); c.3055G>A, p.Asp1019Asn (NM_001320613.2); c.3118G>A, p.Asp1040Asn (NM_001377128.1); c.2914G>A, p.Asp972Asn (NM_001377129.1); c.2500G>A, p.Asp834Asn (NM_001377130.1); c.2329G>A, p.Asp777Asn (NM_001377131.1); c.3052G>A, p.Asp1018Asn (NM_001377132.1); c.*2274C>T (NM_001199803.3, NM_001322101.2, NM_024322.4); short protein forms D1019N, D1018N, D777N, D834N, D972N, D1040N.
Identifiers: ClinVar variation 3081594 (VCV003081594.2), dbSNP rs747746171, ClinGen allele CA1553524.
Genomic context (GRCh38, chr2:24,821,592, plus strand): 5'-AGTTATTGAAGGACTGGTTGTTGATGTTGGTGAGCGTATCCTTCATGGCCAGCGCGAAGT[C>T]GGCCAGGTCAGCCAGGTGCTGCCAGCGCTCTCTCTCGGACTTGTCTTCCTGTGCCAGGGG-3'
Protein context (NP_004027.2, residues 1008-1028): ERWQHLADLA[Asp1018Asn]FALAMKDTLT